The following is an entry in ClinVar:

NM_000245.4(MET):c.350A>G (p.Asn117Ser)

Gene: MET (MET proto-oncogene, receptor tyrosine kinase; plus strand). Cytogenetic location: 7q31.2.
Variant type: single nucleotide variant.
Coding change: c.350A>G on transcript NM_000245.4 (MANE Select); coding-DNA position 350, A replaced by G.
Protein change: p.Asn117Ser; replaces asparagine 117 with serine.
Molecular consequence: missense variant. On other transcripts: intron variant (1).
Genome position (GRCh38, 1-based): chr7:116,699,434, A>G. VCF-style: chr7-116699434-A-G. GRCh37 (hg19) VCF-style: chr7-116339488-A-G.
Other names: c.350A>G, p.Asn117Ser (NM_001127500.3, NM_001324401.3); c.-91+26857A>G (NM_001324402.2); short protein forms N117S.
Identifiers: ClinVar variation 2822235 (VCV002822235.4), dbSNP rs1247750099, ClinGen allele CA368968885.

ClinVar aggregate classification (germline): Uncertain significance. Review status: criteria provided, multiple submitters, no conflicts (2 of 4 stars). 2 submissions from 2 submitters: Uncertain significance (2). Last evaluated 2025-10-07.

Conditions:
Hereditary cancer-predisposing syndrome. Also called: Neoplastic Syndromes, Hereditary; Hereditary neoplastic syndrome; Tumor predisposition; Hereditary Cancer Syndrome. Identifiers: Orphanet 140162, MedGen C0027672, MeSH D009386, MONDO:0015356.
Renal cell carcinoma. Identifiers: Orphanet 217071, MedGen C0007134, MeSH D002292, MONDO:0005086, HP:0005584.

Submissions (2):

Ambry Genetics
Classification: Uncertain significance for Hereditary cancer-predisposing syndrome. Last evaluated: 2025-10-07. Review status: criteria provided, single submitter. Criteria: Ambry Variant Classification Scheme 2023. Collection method: clinical testing. Allele origin: germline.
Comment: The p.N117S variant (also known as c.350A>G), located in coding exon 1 of the MET gene, results from an A to G substitution at nucleotide position 350. The asparagine at codon 117 is replaced by serine, an amino acid with highly similar properties. This amino acid position is conserved. In addition, this alteration is predicted to be tolerated by in silico analysis. Based on the available evidence, the clinical significance of this variant remains unclear.

Labcorp Genetics (formerly Invitae), Labcorp
Classification: Uncertain significance for Renal cell carcinoma. Last evaluated: 2022-12-19. Review status: criteria provided, single submitter. Criteria: Invitae Variant Classification Sherloc (09022015). Collection method: clinical testing. Allele origin: germline.
Comment: In summary, the available evidence is currently insufficient to determine the role of this variant in disease. Therefore, it has been classified as a Variant of Uncertain Significance. Advanced modeling of protein sequence and biophysical properties (such as structural, functional, and spatial information, amino acid conservation, physicochemical variation, residue mobility, and thermodynamic stability) performed at Invitae indicates that this missense variant is not expected to disrupt MET protein function. This variant has not been reported in the literature in individuals affected with MET-related conditions. This variant is not present in population databases (gnomAD no frequency). This sequence change replaces asparagine, which is neutral and polar, with serine, which is neutral and polar, at codon 117 of the MET protein (p.Asn117Ser).